The following is an entry in ClinVar:

ClinVar aggregate classification (germline): Uncertain significance. Review status: criteria provided, multiple submitters, no conflicts (2 of 4 stars). 2 submissions from 2 submitters: Uncertain significance (2). Last evaluated 2025-01-11.

Conditions:
Inborn genetic diseases. Identifiers: MedGen C0950123, MeSH D030342.

Submissions (2):

Ambry Genetics
Classification: Uncertain significance for Inborn genetic diseases. Last evaluated: 2025-01-11. Review status: criteria provided, single submitter. Criteria: Ambry Variant Classification Scheme 2023. Collection method: clinical testing. Allele origin: germline.
Comment: The p.R8L variant (also known as c.23G>T), located in coding exon 1 of the DDX41 gene, results from a G to T substitution at nucleotide position 23. The arginine at codon 8 is replaced by leucine, an amino acid with dissimilar properties. This amino acid position is conserved. In addition, this alteration is predicted to be tolerated by in silico analysis. Based on the available evidence, the clinical significance of this variant remains unclear.

Labcorp Genetics (formerly Invitae), Labcorp
Classification: Uncertain significance. Last evaluated: 2023-01-03. Review status: criteria provided, single submitter. Criteria: Invitae Variant Classification Sherloc (09022015). Collection method: clinical testing. Allele origin: germline.
Comment: In summary, the available evidence is currently insufficient to determine the role of this variant in disease. Therefore, it has been classified as a Variant of Uncertain Significance. Algorithms developed to predict the effect of missense changes on protein structure and function are either unavailable or do not agree on the potential impact of this missense change (SIFT: "Not Available"; PolyPhen-2: "Benign"; Align-GVGD: "Not Available"). This variant has not been reported in the literature in individuals affected with DDX41-related conditions. This variant is not present in population databases (gnomAD no frequency). This sequence change replaces arginine, which is basic and polar, with leucine, which is neutral and non-polar, at codon 8 of the DDX41 protein (p.Arg8Leu).

NM_016222.4(DDX41):c.23G>T (p.Arg8Leu)

Gene: DDX41 (DEAD-box helicase 41; minus strand). Cytogenetic location: 5q35.3.
Variant type: single nucleotide variant.
Coding change: c.23G>T on transcript NM_016222.4 (MANE Select); coding-DNA position 23, G replaced by T.
Protein change: p.Arg8Leu; replaces arginine 8 with leucine.
Molecular consequence: missense variant. On other transcripts: 5 prime UTR variant (2).
Genome position (GRCh38, 1-based): chr5:177,516,923, C>A on the plus strand (G>T on the coding strand, the complement: DDX41 is on the minus strand). VCF-style: chr5-177516923-C-A. GRCh37 (hg19) VCF-style: chr5-176943924-C-A.
Other names: c.23G>T (NM_016222.2); c.-633G>T (NM_001321732.2); c.-425G>T (NM_001321830.2); short protein forms R8L.
Identifiers: ClinVar variation 2825081 (VCV002825081.4), dbSNP rs1761268384, ClinGen allele CA362378162.